The following is an entry in ClinVar:

ClinVar aggregate classification (germline): Benign (3 of 4 stars; one submission).

Conditions:
Breast-ovarian cancer, familial, susceptibility to, 2 (BROVCA2). Also called: BRCA2 Hereditary Breast and Ovarian Cancer. Identifiers: Orphanet 145, MedGen C2675520, MONDO:0012933, OMIM 612555. Disease mechanism: loss of function.

Allele frequency attached by ClinVar (database versions not stated): TOPMed 0.21384; gnomAD 0.21544 and 0.21768; 1000 Genomes Project 30x 0.22017; 1000 Genomes Project 0.22544.
gnomAD v4.1: 33,003 of 151,964 alleles (22%); highest among the groups gnomAD compares: East Asian, 39%; 3,705 homozygotes.

Submission:

Evidence-based Network for the Interpretation of Germline Mutant Alleles (ENIGMA)
Classification: Benign for Breast-ovarian cancer, familial 2. Last evaluated: 2015-01-12. Review status: reviewed by expert panel. Criteria: ENIGMA BRCA1/2 Classification Criteria (2015). Collection method: curation. Allele origin: germline.
Comment: Class 1 not pathogenic based on frequency >1% in an outbred sampleset. Frequency 0.3811 (Asian), 0.1402 (African), 0.2177 (European), derived from 1000 genomes (2012-04-30).

NM_000059.4(BRCA2):c.9256+3690G>C

Gene: BRCA2 (BRCA2 DNA repair associated; plus strand). Cytogenetic location: 13q13.1.
Variant type: single nucleotide variant.
Coding change: c.9256+3690G>C on transcript NM_000059.4 (MANE Select); 3690 bases into the intron after coding-DNA position 9256, G replaced by C.
Molecular consequence: intron variant.
Genome position (GRCh38, 1-based): chr13:32,383,835, G>C. VCF-style: chr13-32383835-G-C. GRCh37 (hg19) VCF-style: chr13-32957972-G-C.
Other names: IVS 24+3690G>C.
Identifiers: ClinVar variation 209861 (VCV000209861.1), dbSNP rs7337784, ClinGen allele CA276829.
Genomic context (GRCh38, chr13:32,383,835, plus strand): 5'-TAGAGGGAGTGAACTGGGCAGATCAAAGGTAGGTGGTTGAAGAAGGAGGTACTTCAAATT[G>C]AGATTCTGGGGGAAATGGAGTTATTGGAAATAAAAGTCTTGGGTATGTCCATTGCAGTGA-3'